The following is an entry in ClinVar:

ClinVar aggregate classification (germline): Benign. Review status: criteria provided, multiple submitters, no conflicts (2 of 4 stars). 2 submissions from 2 submitters: Benign (2). Last evaluated 2018-06-19.

Allele frequency attached by ClinVar (database versions not stated): gnomAD 0.36835 and 0.37088; TOPMed 0.38818; 1000 Genomes Project 0.45807; 1000 Genomes Project 30x 0.46159.
gnomAD v4.1: 187,122 of 644,068 alleles (29%); highest among the groups gnomAD compares: East Asian, 71%; 36,485 homozygotes.

Submissions (2):

GeneDx
Classification: Benign. Last evaluated: 2018-06-19. Review status: criteria provided, single submitter. Criteria: GeneDx Variant Classification (06012015). Collection method: clinical testing. Allele origin: germline. Affected: yes.
Comment: This variant is considered likely benign or benign based on one or more of the following criteria: it is a conservative change, it occurs at a poorly conserved position in the protein, it is predicted to be benign by multiple in silico algorithms, and/or has population frequency not consistent with disease.

Breakthrough Genomics
Classification: Benign. Review status: criteria provided, single submitter. Criteria: ACMG Guidelines, 2015. Collection method: not provided. Allele origin: germline. Inheritance: Autosomal recessive inheritance. Affected: yes.

NM_000693.4(ALDH1A3):c.204+127T>C

Gene: ALDH1A3 (aldehyde dehydrogenase 1 family member A3; plus strand). Cytogenetic location: 15q26.3.
Variant type: single nucleotide variant.
Coding change: c.204+127T>C on transcript NM_000693.4 (MANE Select); 127 bases into the intron after coding-DNA position 204, T replaced by C.
Molecular consequence: intron variant.
Genome position (GRCh38, 1-based): chr15:100,885,498, T>C. VCF-style: chr15-100885498-T-C. GRCh37 (hg19) VCF-style: chr15-101425703-T-C.
Other names: c.204+127T>C (NM_001293815.2).
Identifiers: ClinVar variation 683870 (VCV000683870.2), dbSNP rs4646656, ClinGen allele CA14140371.
Genomic context (GRCh38, chr15:100,885,498, plus strand): 5'-TTCGGCTTAGCTATAAGACAGAACTGGCCTATCCTGGGGGCAGGGCCTGGGCTAGCTGCG[T>C]GAATTGGCATGTGGTTCTCAGACGTGTGGCACAGAATGGCATCAATTACCGATGATCCTC-3'